The following is an entry in ClinVar:

NM_000057.4(BLM):c.499A>G (p.Lys167Glu)

Gene: BLM (BLM RecQ like helicase; plus strand). Cytogenetic location: 15q26.1.
Variant type: single nucleotide variant.
Coding change: c.499A>G on transcript NM_000057.4 (MANE Select); coding-DNA position 499, A replaced by G.
Protein change: p.Lys167Glu; replaces lysine 167 with glutamic acid.
Molecular consequence: missense variant. On other transcripts: 5 prime UTR variant (1).
Genome position (GRCh38, 1-based): chr15:90,749,767, A>G. VCF-style: chr15-90749767-A-G. GRCh37 (hg19) VCF-style: chr15-91292997-A-G.
Other names: c.499A>G (NM_000057.2); c.499A>G, p.Lys167Glu (NM_001287246.2, NM_001287247.2); c.-793A>G (NM_001287248.2); short protein forms K167E.
Identifiers: ClinVar variation 524778 (VCV000524778.19), dbSNP rs775285496, ClinGen allele CA7738303.

ClinVar aggregate classification (germline): Uncertain significance. Review status: criteria provided, multiple submitters, no conflicts (2 of 4 stars). 4 submissions from 4 submitters: Uncertain significance (3). 1 of the submissions does not count toward it. Last evaluated 2025-11-22.

Conditions:
Bloom syndrome (BLM). Also called: Bloom-Torre-Machacek syndrome. Identifiers: Orphanet 125, MedGen C0005859, MONDO:0008876, OMIM 210900.
Hereditary cancer-predisposing syndrome. Also called: Neoplastic Syndromes, Hereditary; Hereditary neoplastic syndrome; Tumor predisposition; Hereditary Cancer Syndrome. Identifiers: Orphanet 140162, MedGen C0027672, MeSH D009386, MONDO:0015356.

Allele frequency attached by ClinVar (database versions not stated): gnomAD exomes below 0.00001; ExAC 0.00001; gnomAD 0.00001; TOPMed 0.00001.
gnomAD v4.1: 6 of 1,613,224 alleles (0.00037%); highest among the groups gnomAD compares: Middle Eastern, 0.017%; no homozygotes.

Submissions (4):

Ambry Genetics
Classification: Uncertain significance for Hereditary cancer-predisposing syndrome. Last evaluated: 2025-11-22. Review status: criteria provided, single submitter. Criteria: Ambry Variant Classification Scheme 2023. Collection method: clinical testing. Allele origin: germline.
Comment: The p.K167E variant (also known as c.499A>G), located in coding exon 2 of the BLM gene, results from an A to G substitution at nucleotide position 499. The lysine at codon 167 is replaced by glutamic acid, an amino acid with similar properties. This amino acid position is well conserved in available vertebrate species; however, glutamic acid is the reference amino acid in other vertebrate species. In addition, this alteration is predicted to be tolerated by in silico analysis. Since supporting evidence is limited at this time, the clinical significance of this alteration remains unclear.

Labcorp Genetics (formerly Invitae), Labcorp
Classification: Uncertain significance for Bloom syndrome. Last evaluated: 2025-10-13. Review status: criteria provided, single submitter. Criteria: Invitae Variant Classification Sherloc (09022015). Collection method: clinical testing. Allele origin: germline.
Comment: This sequence change replaces lysine, which is basic and polar, with glutamic acid, which is acidic and polar, at codon 167 of the BLM protein (p.Lys167Glu). This variant is present in population databases (rs775285496, gnomAD 0.0009%). This variant has not been reported in the literature in individuals affected with BLM-related conditions. ClinVar contains an entry for this variant (Variation ID: 524778). An algorithm developed to predict the effect of missense changes on protein structure and function outputs the following: PolyPhen-2: "Benign". The glutamic acid amino acid residue is found in multiple mammalian species, which suggests that this missense change does not adversely affect protein function. In summary, the available evidence is currently insufficient to determine the role of this variant in disease. Therefore, it has been classified as a Variant of Uncertain Significance.

Fulgent Genetics
Classification: Uncertain significance for Bloom syndrome. Last evaluated: 2024-01-23. Review status: criteria provided, single submitter. Criteria: ACMG Guidelines, 2015. Collection method: clinical testing. Allele origin: germline.

Natera, Inc.
Classification: Uncertain significance for Bloom syndrome. Last evaluated: 2018-09-03. Review status: no assertion criteria provided. Collection method: clinical testing. Allele origin: germline. Not counted in ClinVar's aggregate classification.